The following is an entry in ClinVar:

ClinVar aggregate classification (germline): Uncertain significance (1 of 4 stars; one submission).

Allele frequency attached by ClinVar (database versions not stated): gnomAD 0.00003 and 0.00004; TOPMed 0.00008; gnomAD exomes 0.00016.
gnomAD v4.1: 38 of 1,562,844 alleles (0.0024%); highest among the groups gnomAD compares: Admixed American, 0.069%; no homozygotes.

Submission:

Labcorp Genetics (formerly Invitae), Labcorp
Classification: Uncertain significance. Last evaluated: 2025-07-07. Review status: criteria provided, single submitter. Criteria: Invitae Variant Classification Sherloc (09022015). Collection method: clinical testing. Allele origin: germline.
Comment: This sequence change replaces arginine, which is basic and polar, with glycine, which is neutral and non-polar, at codon 13 of the TMCO1 protein (p.Arg13Gly). This variant is present in population databases (rs780791020, gnomAD 0.1%). This variant has not been reported in the literature in individuals affected with TMCO1-related conditions. ClinVar contains an entry for this variant (Variation ID: 1421547). An algorithm developed to predict the effect of missense changes on protein structure and function outputs the following: PolyPhen-2: "Benign". The glycine amino acid residue is found in multiple mammalian species, which suggests that this missense change does not adversely affect protein function. In summary, the available evidence is currently insufficient to determine the role of this variant in disease. Therefore, it has been classified as a Variant of Uncertain Significance.

NM_019026.6(TMCO1):c.-117A>G

Gene: TMCO1 (transmembrane and coiled-coil domains 1; minus strand). Cytogenetic location: 1q24.1.
Variant type: single nucleotide variant.
Coding change: c.-117A>G on transcript NM_019026.6 (MANE Select); 117 bases upstream of the start codon, A replaced by G.
Molecular consequence: 5 prime UTR variant. On other transcripts: missense variant (1), non-coding transcript variant (1).
Genome position (GRCh38, 1-based): chr1:165,768,868, T>C on the plus strand (A>G on the coding strand, the complement: TMCO1 is on the minus strand). VCF-style: chr1-165768868-T-C. GRCh37 (hg19) VCF-style: chr1-165738105-T-C.
Other names: c.37A>G, p.Arg13Gly (NM_001256164.1); c.-353A>G (NM_001256165.1); short protein forms R13G.
Identifiers: ClinVar variation 1421547 (VCV001421547.8), dbSNP rs780791020, ClinGen allele CA1221835.